The following is an entry in ClinVar:

NM_005859.5(PURA):c.954A>G (p.Glu318=)

Gene: PURA (purine rich element binding protein A; plus strand). Cytogenetic location: 5q31.3.
Variant type: single nucleotide variant.
Coding change: c.954A>G on transcript NM_005859.5 (MANE Select); coding-DNA position 954, A replaced by G.
Protein change: p.Glu318=; no amino-acid change (glutamic acid 318 retained).
Molecular consequence: synonymous variant.
Genome position (GRCh38, 1-based): chr5:140,115,135, A>G. VCF-style: chr5-140115135-A-G. GRCh37 (hg19) VCF-style: chr5-139494720-A-G.
Identifiers: ClinVar variation 3390140 (VCV003390140.14).

ClinVar aggregate classification (germline): Likely benign (1 of 4 stars; one submission).

gnomAD v4.1: 2 of 1,558,782 alleles (0.00013%); highest among the groups gnomAD compares: Non-Finnish European, 0.000087%; no homozygotes.

Submission:

CeGaT Center for Human Genetics Tuebingen
Classification: Likely benign. Last evaluated: 2024-11-01. Review status: criteria provided, single submitter. Criteria: CeGaT Center For Human Genetics Tuebingen Variant Classification Criteria Version 2. Collection method: clinical testing. Allele origin: germline. Affected: yes. Observed: 1 variant allele.
Comment: PURA: BP4, BP7